The following is an entry in ClinVar:

ClinVar aggregate classification (germline): Conflicting classifications of pathogenicity. Review status: criteria provided, conflicting classifications (1 of 4 stars). 2 submissions from 2 submitters: Uncertain significance (1); Likely benign (1). Last evaluated 2024-10-14.

Allele frequency attached by ClinVar (database versions not stated): gnomAD 0.00032 and 0.00040; gnomAD exomes 0.00040 and 0.00052; 1000 Genomes Project 30x 0.00047; TOPMed 0.00048; ExAC 0.00062; ESP Exome Variant Server 0.00068.
gnomAD v4.1: 817 of 1,606,968 alleles (0.051%); highest among the groups gnomAD compares: Non-Finnish European, 0.062%; no homozygotes.

Submissions (2):

Blueprint Genetics
Classification: Likely benign. Last evaluated: 2024-10-14. Review status: criteria provided, single submitter. Criteria: ACMG Guidelines, 2015. Collection method: clinical testing. Allele origin: germline.

Labcorp Genetics (formerly Invitae), Labcorp
Classification: Uncertain significance. Last evaluated: 2022-10-24. Review status: criteria provided, single submitter. Criteria: Invitae Variant Classification Sherloc (09022015). Collection method: clinical testing. Allele origin: germline.
Comment: This sequence change replaces serine, which is neutral and polar, with asparagine, which is neutral and polar, at codon 406 of the IFT81 protein (p.Ser406Asn). This variant is present in population databases (rs61746708, gnomAD 0.07%). This variant has not been reported in the literature in individuals affected with IFT81-related conditions. ClinVar contains an entry for this variant (Variation ID: 848922). Advanced modeling of protein sequence and biophysical properties (such as structural, functional, and spatial information, amino acid conservation, physicochemical variation, residue mobility, and thermodynamic stability) performed at Invitae indicates that this missense variant is not expected to disrupt IFT81 protein function. In summary, the available evidence is currently insufficient to determine the role of this variant in disease. Therefore, it has been classified as a Variant of Uncertain Significance.

NM_014055.4(IFT81):c.1217G>A (p.Ser406Asn)

Gene: IFT81 (intraflagellar transport 81; plus strand). Cytogenetic location: 12q24.11.
Variant type: single nucleotide variant.
Coding change: c.1217G>A on transcript NM_014055.4 (MANE Select); coding-DNA position 1217, G replaced by A.
Protein change: p.Ser406Asn; replaces serine 406 with asparagine.
Molecular consequence: missense variant. On other transcripts: non-coding transcript variant (4).
Genome position (GRCh38, 1-based): chr12:110,180,450, G>A. VCF-style: chr12-110180450-G-A. GRCh37 (hg19) VCF-style: chr12-110618255-G-A.
Other names: c.1217G>A, p.Ser406Asn (NM_001143779.2); c.287G>A, p.Ser96Asn (NM_001347947.2, NM_001347948.2); short protein forms S96N, S406N.
Identifiers: ClinVar variation 848922 (VCV000848922.6), dbSNP rs61746708, ClinGen allele CA6783314.